The following is an entry in ClinVar:

NM_199420.4(POLQ):c.2948G>A (p.Cys983Tyr)

Gene: POLQ (DNA polymerase theta; minus strand). Cytogenetic location: 3q13.33.
Variant type: single nucleotide variant.
Coding change: c.2948G>A on transcript NM_199420.4 (MANE Select); coding-DNA position 2948, G replaced by A.
Protein change: p.Cys983Tyr; replaces cysteine 983 with tyrosine.
Molecular consequence: missense variant.
Genome position (GRCh38, 1-based): chr3:121,489,983, C>T on the plus strand (G>A on the coding strand, the complement: POLQ is on the minus strand). VCF-style: chr3-121489983-C-T. GRCh37 (hg19) VCF-style: chr3-121208830-C-T.
Other names: short protein forms C983Y.
Identifiers: ClinVar variation 1797992 (VCV001797992.3), dbSNP rs757833005, ClinGen allele CA2563155.

ClinVar aggregate classification (germline): Uncertain significance (1 of 4 stars; one submission).

Allele frequency attached by ClinVar (database versions not stated): gnomAD exomes below 0.00001; ExAC 0.00001.
gnomAD v4.1: 2 of 1,582,270 alleles (0.00013%); highest among the groups gnomAD compares: South Asian, 0.0012%; no homozygotes.

Submission:

Ambry Genetics
Classification: Uncertain significance. Last evaluated: 2024-10-23. Review status: criteria provided, single submitter. Criteria: Ambry Variant Classification Scheme 2023. Collection method: clinical testing. Allele origin: germline.
Comment: The p.C983Y variant (also known as c.2948G>A), located in coding exon 16 of the POLQ gene, results from a G to A substitution at nucleotide position 2948. The cysteine at codon 983 is replaced by tyrosine, an amino acid with highly dissimilar properties. This amino acid position is conserved. In addition, this alteration is predicted to be tolerated by in silico analysis. Since supporting evidence is limited at this time, the clinical significance of this alteration remains unclear.